The following is an entry in ClinVar:

NM_001278116.2(L1CAM):c.2584A>G (p.Ser862Gly)

Gene: L1CAM (L1 cell adhesion molecule; minus strand). Cytogenetic location: Xq28.
Variant type: single nucleotide variant.
Coding change: c.2584A>G on transcript NM_001278116.2 (MANE Select); coding-DNA position 2584, A replaced by G.
Protein change: p.Ser862Gly; replaces serine 862 with glycine.
Molecular consequence: missense variant.
Genome position (GRCh38, 1-based): chrX:153,865,464, T>C on the plus strand (A>G on the coding strand, the complement: L1CAM is on the minus strand). VCF-style: chrX-153865464-T-C. GRCh37 (hg19) VCF-style: chrX-153130919-T-C.
Other names: c.2584A>G, p.Ser862Gly (NM_000425.5, NM_024003.3); c.2569A>G, p.Ser857Gly (NM_001143963.2); short protein forms S862G, S857G.
Identifiers: ClinVar variation 1379867 (VCV001379867.6), dbSNP rs2148494141, ClinGen allele CA415116560.
Genomic context (GRCh38, chrX:153,865,464, plus strand): 5'-GGATGACACTGGTGGTGTTGGCGGGCACCACCACATGGTCTTTGTGGATATGTCTCTTGC[T>C]GTGCTTCCTCTGACTGCCCTCCCTCCAGTACGTCACCTGCACAAGCGAACAGGAGACCTC-3'
Protein context (NP_001265045.1, residues 852-872): YWREGSQRKH[Ser862Gly]KRHIHKDHVV

ClinVar aggregate classification (germline): Uncertain significance (1 of 4 stars; one submission).

Conditions:
Spastic paraplegia. Identifiers: MedGen C0037772, HP:0001258.

gnomAD v4.1: 1 of 1,211,672 alleles (0.000083%); highest among the groups gnomAD compares: Non-Finnish European, 0.00011%; no homozygotes.

Submission:

Labcorp Genetics (formerly Invitae), Labcorp
Classification: Uncertain significance for Spastic paraplegia. Last evaluated: 2022-02-08. Review status: criteria provided, single submitter. Criteria: Invitae Variant Classification Sherloc (09022015). Collection method: clinical testing. Allele origin: germline.
Comment: In summary, the available evidence is currently insufficient to determine the role of this variant in disease. Therefore, it has been classified as a Variant of Uncertain Significance. Advanced modeling of protein sequence and biophysical properties (such as structural, functional, and spatial information, amino acid conservation, physicochemical variation, residue mobility, and thermodynamic stability) performed at Invitae indicates that this missense variant is not expected to disrupt L1CAM protein function. This variant has not been reported in the literature in individuals affected with L1CAM-related conditions. This variant is not present in population databases (gnomAD no frequency). This sequence change replaces serine, which is neutral and polar, with glycine, which is neutral and non-polar, at codon 862 of the L1CAM protein (p.Ser862Gly).